The following is an entry in ClinVar:

NM_000155.4(GALT):c.797A>G (p.Glu266Gly)

Gene: GALT (galactose-1-phosphate uridylyltransferase; plus strand). Cytogenetic location: 9p13.3.
Variant type: single nucleotide variant.
Coding change: c.797A>G on transcript NM_000155.4 (MANE Select); coding-DNA position 797, A replaced by G.
Protein change: p.Glu266Gly; replaces glutamic acid 266 with glycine.
Molecular consequence: missense variant.
Genome position (GRCh38, 1-based): chr9:34,648,871, A>G. VCF-style: chr9-34648871-A-G. GRCh37 (hg19) VCF-style: chr9-34648868-A-G.
Other names: c.470A>G, p.Glu157Gly (NM_001258332.2); short protein forms E266G, E157G.
Identifiers: ClinVar variation 943619 (VCV000943619.10), dbSNP rs1821178890, ClinGen allele CA373283965.
Genomic context (GRCh38, chr9:34,648,871, plus strand): 5'-GGGCAACATGGCCCTACCAGACACTGCTGCTGCCCCGTCGGCATGTGCGGCGGCTACCTG[A>G]GCTGACCCCTGCTGAGCGTGATGGTCAGTCTCCCAAGTAGGATCCTGGGGCTAGGCACTG-3'
Protein context (NP_000146.2, residues 256-276): LPRRHVRRLP[Glu266Gly]LTPAERDDLA

ClinVar aggregate classification (germline): Uncertain significance (1 of 4 stars; one submission).

Conditions:
Deficiency of UDPglucose-hexose-1-phosphate uridylyltransferase. Also called: GALACTOSE-1-PHOSPHATE URIDYLYLTRANSFERASE DEFICIENCY; GALACTOSEMIA I; GALT deficiency; Galactosemia, classic; Transferase Deficiency Galactosemia. Identifiers: Orphanet 352, Orphanet 79239, MedGen C0268151, MONDO:0009258, OMIM 230400.

Submission:

Labcorp Genetics (formerly Invitae), Labcorp
Classification: Uncertain significance for Deficiency of UDPglucose-hexose-1-phosphate uridylyltransferase. Last evaluated: 2019-07-02. Review status: criteria provided, single submitter. Criteria: Invitae Variant Classification Sherloc (09022015). Collection method: clinical testing. Allele origin: germline.
Comment: In summary, the available evidence is currently insufficient to determine the role of this variant in disease. Therefore, it has been classified as a Variant of Uncertain Significance. Algorithms developed to predict the effect of missense changes on protein structure and function are either unavailable or do not agree on the potential impact of this missense change (SIFT: "Deleterious"; PolyPhen-2: "Possibly Damaging"; Align-GVGD: "Class C0"). This sequence change replaces glutamic acid with glycine at codon 266 of the GALT protein (p.Glu266Gly). The glutamic acid residue is weakly conserved and there is a moderate physicochemical difference between glutamic acid and glycine. This variant is not present in population databases (ExAC no frequency). This variant has been observed in an individual affected with GALT-related conditions (Invitae).